The following is an entry in ClinVar:

ClinVar aggregate classification (germline): Uncertain significance. Review status: criteria provided, multiple submitters, no conflicts (2 of 4 stars). 3 submissions from 3 submitters: Uncertain significance (3). Last evaluated 2025-09-13.

Conditions:
Xeroderma pigmentosum (XP). Identifiers: Orphanet 910, MedGen C0043346, MONDO:0019600.
Xeroderma pigmentosum group A (XPA). Also called: Xeroderma pigmentosum, complementation group A; XP, group A; XPA-Related Xeroderma Pigmentosum. Identifiers: Orphanet 910, MedGen C0268135, MONDO:0010210, OMIM 278700.

Allele frequency attached by ClinVar (database versions not stated): TOPMed below 0.00001; gnomAD 0.00001; gnomAD exomes 0.00008; ExAC 0.00012.
gnomAD v4.1: 50 of 1,613,468 alleles (0.0031%); highest among the groups gnomAD compares: South Asian, 0.043%; no homozygotes.

Submissions (3):

Labcorp Genetics (formerly Invitae), Labcorp
Classification: Uncertain significance. Last evaluated: 2025-09-13. Review status: criteria provided, single submitter. Criteria: Invitae Variant Classification Sherloc (09022015). Collection method: clinical testing. Allele origin: germline.
Comment: This sequence change replaces leucine, which is neutral and non-polar, with serine, which is neutral and polar, at codon 200 of the XPA protein (p.Leu200Ser). This variant is present in population databases (rs755803064, gnomAD 0.06%). This variant has not been reported in the literature in individuals affected with XPA-related conditions. ClinVar contains an entry for this variant (Variation ID: 1692417). Invitae Evidence Modeling of protein sequence and biophysical properties (such as structural, functional, and spatial information, amino acid conservation, physicochemical variation, residue mobility, and thermodynamic stability) indicates that this missense variant is expected to disrupt XPA protein function with a positive predictive value of 80%. In summary, the available evidence is currently insufficient to determine the role of this variant in disease. Therefore, it has been classified as a Variant of Uncertain Significance.

Fulgent Genetics
Classification: Uncertain significance for Xeroderma pigmentosum group A. Last evaluated: 2022-05-31. Review status: criteria provided, single submitter. Criteria: ACMG Guidelines, 2015. Collection method: clinical testing. Allele origin: unknown.

Sema4
Classification: Uncertain significance for Xeroderma pigmentosum. Last evaluated: 2021-07-28. Review status: criteria provided, single submitter. Criteria: Sema4 Curation Guidelines. Collection method: curation. Allele origin: germline.
Comment: The XPA c.599T>C (p.L200S) variant has not been reported in the literature to our knowledge. It was observed in 17/30606 chromosomes of the South Asian subpopulation, with no homozygotes, in the large and broad cohorts of the Genome Aggregation Database. The variant has not been reported in ClinVar. In silico tools suggest the impact of the variant on protein function is deleterious, though these predictions have not been confirmed by functional studies. The evidence is insufficient to meet ACMG/AMP criteria for classifying the variant as benign or pathogenic. Thus, the clinical significance of this variant is currently uncertain.

NM_000380.4(XPA):c.599T>C (p.Leu200Ser)

Gene: XPA (XPA, DNA damage recognition and repair factor; minus strand). Cytogenetic location: 9q22.33.
Variant type: single nucleotide variant.
Coding change: c.599T>C on transcript NM_000380.4 (MANE Select); coding-DNA position 599, T replaced by C.
Protein change: p.Leu200Ser; replaces leucine 200 with serine.
Molecular consequence: missense variant. On other transcripts: non-coding transcript variant (5).
Genome position (GRCh38, 1-based): chr9:97,684,997, A>G on the plus strand (T>C on the coding strand, the complement: XPA is on the minus strand). VCF-style: chr9-97684997-A-G. GRCh37 (hg19) VCF-style: chr9-100447279-A-G.
Other names: c.473T>C, p.Leu158Ser (NM_001354975.2); short protein forms L158S, L200S.
Identifiers: ClinVar variation 1692417 (VCV001692417.3), dbSNP rs755803064, ClinGen allele CA5148780.